The following is an entry in ClinVar:

ClinVar aggregate classification (germline): Uncertain significance. Review status: criteria provided, multiple submitters, no conflicts (2 of 4 stars). 3 submissions from 3 submitters: Uncertain significance (3). Last evaluated 2025-08-03.

Conditions:
Developmental and epileptic encephalopathy, 42 (DEE42A). Also called: Epileptic encephalopathy, early infantile, 42; DEVELOPMENTAL AND EPILEPTIC ENCEPHALOPATHY 42A; EPILEPTIC ENCEPHALOPATHY, EARLY INFANTILE, 42A. Identifiers: MedGen C4310716, MONDO:0014917, OMIM 617106.
Episodic ataxia type 2 (EA2). Also called: ACETAZOLAMIDE-RESPONSIVE HEREDITARY PAROXYSMAL CEREBELLAR ATAXIA; ATAXIA, EPISODIC, WITH NYSTAGMUS; ATAXIA, FAMILIAL PAROXYSMAL; CEREBELLAR ATAXIA, PAROXYSMAL, ACETAZOLAMIDE-RESPONSIVE; CEREBELLOPATHY, HEREDITARY PAROXYSMAL; EPISODIC ATAXIA, NYSTAGMUS-ASSOCIATED. Identifiers: Orphanet 97, MedGen C1720416, MONDO:0007163, OMIM 108500.
Inborn genetic diseases. Identifiers: MedGen C0950123, MeSH D030342.

Allele frequency attached by ClinVar (database versions not stated): gnomAD 0.00002 and 0.00003; gnomAD exomes 0.00002 and 0.00004; TOPMed 0.00002; ExAC 0.00004.
gnomAD v4.1: 64 of 1,541,392 alleles (0.0042%); highest among the groups gnomAD compares: Non-Finnish European, 0.0055%; no homozygotes.

Submissions (3):

Labcorp Genetics (formerly Invitae), Labcorp
Classification: Uncertain significance for Developmental and epileptic encephalopathy, 42; Episodic ataxia type 2. Last evaluated: 2025-08-03. Review status: criteria provided, single submitter. Criteria: Invitae Variant Classification Sherloc (09022015). Collection method: clinical testing. Allele origin: germline.
Comment: This sequence change replaces serine, which is neutral and polar, with phenylalanine, which is neutral and non-polar, at codon 2247 of the CACNA1A protein (p.Ser2247Phe). The frequency data for this variant in the population databases is considered unreliable, as metrics indicate poor data quality at this position in the gnomAD database. This variant has not been reported in the literature in individuals affected with CACNA1A-related conditions. ClinVar contains an entry for this variant (Variation ID: 197539). Invitae Evidence Modeling of protein sequence and biophysical properties (such as structural, functional, and spatial information, amino acid conservation, physicochemical variation, residue mobility, and thermodynamic stability) indicates that this missense variant is not expected to disrupt CACNA1A protein function with a negative predictive value of 95%. In summary, the available evidence is currently insufficient to determine the role of this variant in disease. Therefore, it has been classified as a Variant of Uncertain Significance.

Ambry Genetics
Classification: Uncertain significance for Inborn genetic diseases. Last evaluated: 2021-08-02. Review status: criteria provided, single submitter. Criteria: Ambry Variant Classification Scheme 2023. Collection method: clinical testing. Allele origin: germline.

Eurofins Ntd Llc (ga)
Classification: Uncertain significance. Last evaluated: 2015-04-13. Review status: criteria provided, single submitter. Criteria: EGL Classification Definitions 2015. Collection method: clinical testing. Allele origin: germline. Observed: 1 variant allele, 1 heterozygote.

NM_001127222.2(CACNA1A):c.6737C>T (p.Ser2246Phe)

Genes: CACNA1A (calcium voltage-gated channel subunit alpha1 A; minus strand), LOC130063717 (ATAC-STARR-seq lymphoblastoid silent region 10203; plus strand). Cytogenetic location: 19p13.13.
Variant type: single nucleotide variant.
Coding change: c.6737C>T on transcript NM_001127222.2 (MANE Select); coding-DNA position 6737, C replaced by T.
Protein change: p.Ser2246Phe; replaces serine 2246 with phenylalanine.
Molecular consequence: missense variant.
Genome position (GRCh38, 1-based): chr19:13,208,799, G>A on the plus strand (C>T on the coding strand, the complement: CACNA1A is on the minus strand). VCF-style: chr19-13208799-G-A. GRCh37 (hg19) VCF-style: chr19-13319613-G-A.
Other names: c.6740C>T (NM_001127221.1); c.6755C>T, p.Ser2252Phe (NM_000068.4, NM_023035.3); c.6740C>T, p.Ser2247Phe (NM_001127221.2); c.6746C>T, p.Ser2249Phe (NM_001174080.2); short protein forms S2247F, S2249F, S2252F, S2246F.
Identifiers: ClinVar variation 197539 (VCV000197539.12), dbSNP rs768312851, ClinGen allele CA245766.